The following is an entry in ClinVar:

NM_005879.3(TRAIP):c.706-3T>C

Gene: TRAIP (TRAF interacting protein; minus strand). Cytogenetic location: 3p21.31.
Variant type: single nucleotide variant.
Coding change: c.706-3T>C on transcript NM_005879.3 (MANE Select); 3 bases into the intron before coding-DNA position 706, T replaced by C.
Molecular consequence: intron variant.
Genome position (GRCh38, 1-based): chr3:49,840,376, A>G on the plus strand (T>C on the coding strand, the complement: TRAIP is on the minus strand). VCF-style: chr3-49840376-A-G. GRCh37 (hg19) VCF-style: chr3-49877809-A-G.
Other names: c.706-3T>C (NM_005879.2).
Identifiers: ClinVar variation 1913415 (VCV001913415.4), dbSNP rs780676622, ClinGen allele CA2407718.

ClinVar aggregate classification (germline): Uncertain significance. Review status: criteria provided, single submitter (1 of 4 stars). 2 submissions from 2 submitters: Uncertain significance (1). 1 of the submissions does not count toward it. Last evaluated 2021-12-13.

Conditions:
TRAIP-related disorder. Also called: TRAIP-related condition.

Allele frequency attached by ClinVar (database versions not stated): gnomAD 0.00001; TOPMed 0.00001; ExAC 0.00002; gnomAD exomes 0.00002.
gnomAD v4.1: 28 of 1,613,616 alleles (0.0017%); highest among the groups gnomAD compares: East Asian, 0.016%; 1 homozygote.

Submissions (2):

Labcorp Genetics (formerly Invitae), Labcorp
Classification: Uncertain significance. Last evaluated: 2021-12-13. Review status: criteria provided, single submitter. Criteria: Invitae Variant Classification Sherloc (09022015). Collection method: clinical testing. Allele origin: germline.
Comment: This sequence change falls in intron 8 of the TRAIP gene. It does not directly change the encoded amino acid sequence of the TRAIP protein. It affects a nucleotide within the consensus splice site. This variant is present in population databases (rs780676622, gnomAD 0.006%). This variant has not been reported in the literature in individuals affected with TRAIP-related conditions. Variants that disrupt the consensus splice site are a relatively common cause of aberrant splicing (PMID: 17576681, 9536098). Algorithms developed to predict the effect of sequence changes on RNA splicing suggest that this variant is not likely to affect RNA splicing. In summary, the available evidence is currently insufficient to determine the role of this variant in disease. Therefore, it has been classified as a Variant of Uncertain Significance.

PreventionGenetics, part of Exact Sciences
Classification: Likely benign for TRAIP-related condition. Last evaluated: 2019-07-24. Review status: no assertion criteria provided. Collection method: clinical testing. Allele origin: germline. Not counted in ClinVar's aggregate classification.
Comment: This variant is classified as likely benign based on ACMG/AMP sequence variant interpretation guidelines (Richards et al. 2015 PMID: 25741868, with internal and published modifications).

Literature cited by the submitters: PubMed 17576681 (cited by Labcorp Genetics (formerly Invitae), Labcorp); PubMed 9536098 (cited by Labcorp Genetics (formerly Invitae), Labcorp).